The following is an entry in ClinVar:

NM_199420.4(POLQ):c.2275G>T (p.Ala759Ser)

Gene: POLQ (DNA polymerase theta; minus strand). Cytogenetic location: 3q13.33.
Variant type: single nucleotide variant.
Coding change: c.2275G>T on transcript NM_199420.4 (MANE Select); coding-DNA position 2275, G replaced by T.
Protein change: p.Ala759Ser; replaces alanine 759 with serine.
Molecular consequence: missense variant.
Genome position (GRCh38, 1-based): chr3:121,496,811, C>A on the plus strand (G>T on the coding strand, the complement: POLQ is on the minus strand). VCF-style: chr3-121496811-C-A. GRCh37 (hg19) VCF-style: chr3-121215658-C-A.
Other names: short protein forms A759S.
Identifiers: ClinVar variation 1788853 (VCV001788853.2), dbSNP rs1467176430, ClinGen allele CA354108774.

ClinVar aggregate classification (germline): Uncertain significance (1 of 4 stars; one submission).

gnomAD v4.1: 4 of 1,611,414 alleles (0.00025%); highest among the groups gnomAD compares: Non-Finnish European, 0.00025%; no homozygotes.

Submission:

Ambry Genetics
Classification: Uncertain significance. Last evaluated: 2021-09-26. Review status: criteria provided, single submitter. Criteria: Ambry Variant Classification Scheme 2023. Collection method: clinical testing. Allele origin: germline.
Comment: The p.A759S variant (also known as c.2275G>T), located in coding exon 14 of the POLQ gene, results from a G to T substitution at nucleotide position 2275. The alanine at codon 759 is replaced by serine, an amino acid with similar properties. This amino acid position is conserved. In addition, this alteration is predicted to be tolerated by in silico analysis. Since supporting evidence is limited at this time, the clinical significance of this alteration remains unclear.